The following is an entry in ClinVar:

NM_000090.4(COL3A1):c.969C>T (p.Asp323=)

Gene: COL3A1 (collagen type III alpha 1 chain; plus strand). Cytogenetic location: 2q32.2.
Variant type: single nucleotide variant.
Coding change: c.969C>T on transcript NM_000090.4 (MANE Select); coding-DNA position 969, C replaced by T.
Protein change: p.Asp323=; no amino-acid change (aspartic acid 323 retained).
Molecular consequence: synonymous variant.
Genome position (GRCh38, 1-based): chr2:188,992,201, C>T. VCF-style: chr2-188992201-C-T. GRCh37 (hg19) VCF-style: chr2-189856927-C-T.
Identifiers: ClinVar variation 922437 (VCV000922437.14), dbSNP rs779278835, ClinGen allele CA077140.

ClinVar aggregate classification (germline): Likely benign. Review status: criteria provided, multiple submitters, no conflicts (2 of 4 stars). 4 submissions from 4 submitters: Likely benign (4). Last evaluated 2025-12-03.

Conditions:
Familial thoracic aortic aneurysm and aortic dissection (TAAD). Also called: Thoracic aortic aneurysms and dissections. Identifiers: Orphanet 91387, MedGen C4707243, MONDO:0019625.
Ehlers-Danlos syndrome, type 4 (EDSVASC). Also called: Ehlers-Danlos Syndrome Type IV; Ehlers-Danlos syndrome vascular type; Ehlers Danlos syndrome, ecchymotic type; Ehlers Danlos syndrome, arterial type; Ehlers Danlos syndrome, Sack-Barabas type. Identifiers: Orphanet 286, MedGen C0268338, MONDO:0017314, OMIM 130050.

Allele frequency attached by ClinVar (database versions not stated): gnomAD 0.00001 and 0.00002; gnomAD exomes 0.00002 and 0.00003; TOPMed 0.00002; ExAC 0.00003.
gnomAD v4.1: 27 of 1,613,652 alleles (0.0017%); highest among the groups gnomAD compares: East Asian, 0.011%; no homozygotes.

Submissions (4):

Labcorp Genetics (formerly Invitae), Labcorp
Classification: Likely benign for Ehlers-Danlos syndrome, type 4. Last evaluated: 2025-12-03. Review status: criteria provided, single submitter. Criteria: Invitae Variant Classification Sherloc (09022015). Collection method: clinical testing. Allele origin: germline.

All of Us Research Program, National Institutes of Health
Classification: Likely benign for Ehlers-Danlos syndrome, type 4. Last evaluated: 2024-07-29. Review status: criteria provided, single submitter. Criteria: ACMG Guidelines, 2015. Collection method: clinical testing. Allele origin: germline. Inheritance: Autosomal dominant inheritance. Observed: 5 variant alleles, 5 heterozygotes.
Comment: This study involves interpretation of variants in research participants for the purpose of population health screening. Participant phenotype was not available at the time of variant classification. Additional details can be found in publication PMID: 35346344, PMCID: PMC8962531

Ambry Genetics
Classification: Likely benign for Familial thoracic aortic aneurysm and aortic dissection. Last evaluated: 2020-10-29. Review status: criteria provided, single submitter. Criteria: Ambry Variant Classification Scheme 2023. Collection method: clinical testing. Allele origin: germline.

Color Diagnostics, LLC DBA Color Health
Classification: Likely benign for Familial thoracic aortic aneurysm and aortic dissection. Last evaluated: 2018-10-22. Review status: criteria provided, single submitter. Criteria: ACMG Guidelines, 2015. Collection method: clinical testing. Allele origin: germline.